The following is an entry in ClinVar:

NM_000214.3(JAG1):c.3226G>A (p.Val1076Ile)

Gene: JAG1 (jagged canonical Notch ligand 1; minus strand). Cytogenetic location: 20p12.2.
Variant type: single nucleotide variant.
Coding change: c.3226G>A on transcript NM_000214.3 (MANE Select); coding-DNA position 3226, G replaced by A.
Protein change: p.Val1076Ile; replaces valine 1076 with isoleucine.
Molecular consequence: missense variant.
Genome position (GRCh38, 1-based): chr20:10,639,929, C>T on the plus strand (G>A on the coding strand, the complement: JAG1 is on the minus strand). VCF-style: chr20-10639929-C-T. GRCh37 (hg19) VCF-style: chr20-10620577-C-T.
Other names: short protein forms V1076I.
Identifiers: ClinVar variation 1729132 (VCV001729132.2), dbSNP rs2514506734, ClinGen allele CA408243713.

ClinVar aggregate classification (germline): Uncertain significance (1 of 4 stars; one submission).

Conditions:
Cardiovascular phenotype. Identifiers: MedGen CN230736.

Submission:

Ambry Genetics
Classification: Uncertain significance for Cardiovascular phenotype. Last evaluated: 2021-10-16. Review status: criteria provided, single submitter. Criteria: Ambry Variant Classification Scheme 2023. Collection method: clinical testing. Allele origin: germline.
Comment: The p.V1076I variant (also known as c.3226G>A), located in coding exon 26 of the JAG1 gene, results from a G to A substitution at nucleotide position 3226. The valine at codon 1076 is replaced by isoleucine, an amino acid with highly similar properties. This amino acid position is conserved. In addition, this alteration is predicted to be tolerated by in silico analysis. Since supporting evidence is limited at this time, the clinical significance of this alteration remains unclear.